The following is an entry in ClinVar:

NM_020911.2(PLXNA4):c.1551C>T (p.Gly517=)

Gene: PLXNA4 (plexin A4; minus strand). Cytogenetic location: 7q32.3.
Variant type: single nucleotide variant.
Coding change: c.1551C>T on transcript NM_020911.2 (MANE Select); coding-DNA position 1551, C replaced by T.
Protein change: p.Gly517=; no amino-acid change (glycine 517 retained).
Molecular consequence: synonymous variant.
Genome position (GRCh38, 1-based): chr7:132,241,119, G>A on the plus strand (C>T on the coding strand, the complement: PLXNA4 is on the minus strand). VCF-style: chr7-132241119-G-A. GRCh37 (hg19) VCF-style: chr7-131925878-G-A.
Other names: c.1551C>T, p.Gly517= (NM_001393897.1).
Identifiers: ClinVar variation 4979393 (VCV004979393.1).

ClinVar aggregate classification (germline): Uncertain significance (1 of 4 stars; one submission).

Conditions:
PLXNA4-related disorder. Also called: PLXNA4-related condition.

gnomAD v4.1: 23 of 1,613,302 alleles (0.0014%); highest among the groups gnomAD compares: Admixed American, 0.015%; no homozygotes.

Submission:

PreventionGenetics, part of Exact Sciences
Classification: Uncertain significance for PLXNA4-related condition. Last evaluated: 2026-08-03. Review status: criteria provided, single submitter. Criteria: ACMG Guidelines, 2015. Collection method: clinical testing. Allele origin: germline.
Comment: The PLXNA4 c.1551C>T variant is not predicted to result in an amino acid change (p.=). This variant is predicted to alter splicing based on available splicing prediction programs (SpliceAI, Jaganathan et al. 2019. PubMed ID: 30661751). To our knowledge, this variant has not been reported in the literature. This variant is reported in 0.020% of alleles in individuals of Latino descent in gnomAD. At this time, the clinical significance of this variant is uncertain due to the absence of conclusive functional and genetic evidence.